The following is an entry in ClinVar:

NM_003289.4(TPM2):c.459C>G (p.His153Gln)

Gene: TPM2 (tropomyosin 2; minus strand). Cytogenetic location: 9p13.3.
Variant type: single nucleotide variant.
Coding change: c.459C>G on transcript NM_003289.4 (MANE Select); coding-DNA position 459, C replaced by G.
Protein change: p.His153Gln; replaces histidine 153 with glutamine.
Molecular consequence: missense variant.
Genome position (GRCh38, 1-based): chr9:35,685,467, G>C on the plus strand (C>G on the coding strand, the complement: TPM2 is on the minus strand). VCF-style: chr9-35685467-G-C. GRCh37 (hg19) VCF-style: chr9-35685464-G-C.
Other names: c.459C>G, p.His153Gln (NM_001301226.2, NM_001301227.2, NM_213674.1); short protein forms H153Q.
Identifiers: ClinVar variation 426412 (VCV000426412.2), dbSNP rs1085307613, ClinGen allele CA373367192.

ClinVar aggregate classification (germline): Uncertain significance (1 of 4 stars; one submission).

Submission:

GeneDx
Classification: Uncertain significance. Last evaluated: 2017-04-18. Review status: criteria provided, single submitter. Criteria: GeneDx Variant Classification (06012015). Collection method: clinical testing. Allele origin: germline. Affected: yes.
Comment: The H153Q variant has not been published as a pathogenic variant, nor has it been reported as a benign variant to our knowledge. The H153Q variant is not observed in large population cohorts (Lek et al., 2016; 1000 Genomes Consortium et al., 2015; Exome Variant Server). This variant is a semi-conservative amino acid substitution, which may impact secondary protein structure as these residues differ in some properties. This substitution occurs at a position that is conserved across species, and missense variants in nearby residues (L148P; A155V) have been reported in the Human Gene Mutation Database in association with congenital fibre type disproportion (Stenson et al., 2014). In silico analysis predicts this variant is probably damaging to the protein structure/function.